The following is an entry in ClinVar:

ClinVar aggregate classification (germline): Pathogenic (1 of 4 stars; one submission).

Conditions:
Multiple endocrine neoplasia, type 1 (MEN1). Also called: MEN I; WERMER SYNDROME; Endocrine adenomatosis multiple; MEN 1; MEA I. Identifiers: Orphanet 652, MedGen C0025267, MeSH D018761, MONDO:0007540, OMIM 131100.

Submission:

Labcorp Genetics (formerly Invitae), Labcorp
Classification: Pathogenic for Multiple endocrine neoplasia, type 1. Last evaluated: 2022-07-17. Review status: criteria provided, single submitter. Criteria: Invitae Variant Classification Sherloc (09022015). Collection method: clinical testing. Allele origin: germline.
Comment: This variant is not present in population databases (gnomAD no frequency). This sequence change creates a premature translational stop signal (p.Ala465Glyfs*66) in the MEN1 gene. While this is not anticipated to result in nonsense mediated decay, it is expected to disrupt the last 146 amino acid(s) of the MEN1 protein. This variant has not been reported in the literature in individuals affected with MEN1-related conditions. For these reasons, this variant has been classified as Pathogenic. This variant disrupts a region of the MEN1 protein in which other variant(s) (p.Thr580Argfs*8) have been determined to be pathogenic (PMID: 15331604, 16449969). This suggests that this is a clinically significant region of the protein, and that variants that disrupt it are likely to be disease-causing. ClinVar contains an entry for this variant (Variation ID: 1073347).

Literature cited by the submitters: PubMed 15331604; PubMed 16449969.

NM_001370259.2(MEN1):c.1391dup (p.Ala465fs)

Gene: MEN1 (menin 1; minus strand). Cytogenetic location: 11q13.1.
Variant type: Duplication.
Coding change: c.1391dup on transcript NM_001370259.2 (MANE Select); coding-DNA position 1391, one base duplicated (C; older notation c.1391dupC).
Protein change: p.Ala465fs; shifts the reading frame from alanine 465.
Molecular consequence: frameshift variant.
Genome position (GRCh38, 1-based): chr11:64,804,776, G duplicated on the plus strand (C on the coding strand, the reverse complement: MEN1 is on the minus strand). VCF-style (leftmost placement, unchanged base first): chr11-64804775-C-CG. GRCh37 (hg19) VCF-style: chr11-64572247-C-CG.
Other names: c.1406dup, p.Ala470fs (NM_000244.4, NM_130800.3, NM_130801.3 and 3 more transcripts); c.1517dup, p.Ala507fs (NM_001370251.2); c.1391dup, p.Ala465fs (NM_001370260.2, NM_001370261.2, NM_130799.3); c.1286dup, p.Ala430fs (NM_001370262.2, NM_001370263.2); short protein forms A430fs, A465fs, A470fs, A507fs.
Identifiers: ClinVar variation 1073347 (VCV001073347.11), dbSNP rs2136092746, ClinGen allele CA2499221143.